The following is an entry in ClinVar:

ClinVar aggregate classification (germline): Uncertain significance (1 of 4 stars; one submission).

Conditions:
Familial cold autoinflammatory syndrome 4 (FCAS4). Identifiers: Orphanet 47045, Orphanet 576349, MedGen C4015276, MONDO:0014498, OMIM 616115.
Periodic fever-infantile enterocolitis-autoinflammatory syndrome. Also called: Autoinflammation with infantile enterocolitis. Identifiers: Orphanet 436166, MedGen C4015067, MONDO:0014472, OMIM 616050.

Allele frequency attached by ClinVar (database versions not stated): gnomAD 0.00001; ExAC 0.00002; gnomAD exomes 0.00001.
gnomAD v4.1: 11 of 1,613,966 alleles (0.00068%); highest among the groups gnomAD compares: South Asian, 0.0033%; no homozygotes.

Submission:

Labcorp Genetics (formerly Invitae), Labcorp
Classification: Uncertain significance for Periodic fever-infantile enterocolitis-autoinflammatory syndrome; Familial cold autoinflammatory syndrome 4. Last evaluated: 2020-06-15. Review status: criteria provided, single submitter. Criteria: Invitae Variant Classification Sherloc (09022015). Collection method: clinical testing. Allele origin: germline.
Comment: In summary, the available evidence is currently insufficient to determine the role of this variant in disease. Therefore, it has been classified as a Variant of Uncertain Significance. This sequence change creates a premature translational stop signal (p.Arg181*) in the NLRC4 gene. It is expected to result in an absent or disrupted protein product. This variant is present in population databases (rs759551435, ExAC 0.02%). This variant has not been reported in the literature in individuals with NLRC4-related conditions. The current clinical and genetic evidence is not sufficient to establish whether loss-of-function variants in NLRC4 cause disease.

NM_001199138.2(NLRC4):c.541C>T (p.Arg181Ter)

Gene: NLRC4 (NLR family CARD domain containing 4; minus strand). Cytogenetic location: 2p22.3.
Variant type: single nucleotide variant.
Coding change: c.541C>T on transcript NM_001199138.2 (MANE Select); coding-DNA position 541, C replaced by T.
Protein change: p.Arg181Ter; replaces arginine 181 with a stop codon.
Molecular consequence: nonsense. On other transcripts: intron variant (1).
Genome position (GRCh38, 1-based): chr2:32,251,323, G>A on the plus strand (C>T on the coding strand, the complement: NLRC4 is on the minus strand). VCF-style: chr2-32251323-G-A. GRCh37 (hg19) VCF-style: chr2-32476392-G-A.
Other names: c.541C>T, p.Arg181Ter (NM_001199139.2, NM_021209.5); c.262+1096C>T (NM_001302504.1); short protein forms R181*.
Identifiers: ClinVar variation 1054393 (VCV001054393.7), dbSNP rs759551435, ClinGen allele CA1602126.
Genomic context (GRCh38, chr2:32,251,323, plus strand): 5'-AGACGAATTTGAACTTGGTCAGAGCCTTGCACTTTCCGGAGCCCCAGAGCATGGCAATTC[G>A]CTGCAGCAGAGTGGACTTGCCTTTGCCAGATTCCCCTTCAATGATGCAGGGGCTCTGAAG-3'